The following is an entry in ClinVar:

ClinVar aggregate classification (germline): Uncertain significance. Review status: criteria provided, multiple submitters, no conflicts (2 of 4 stars). 2 submissions from 2 submitters: Uncertain significance (2). Last evaluated 2025-07-29.

Conditions:
Catecholaminergic polymorphic ventricular tachycardia 1. Also called: VENTRICULAR TACHYCARDIA, STRESS-INDUCED POLYMORPHIC 1; VENTRICULAR TACHYCARDIA, CATECHOLAMINERGIC POLYMORPHIC, 1, WITH OR WITHOUT ATRIAL DYSFUNCTION AND/OR DILATED CARDIOMYOPATHY; RYR2-Related Catecholaminergic Polymorphic Ventricular Tachycardia. Identifiers: Orphanet 3286, MedGen C1631597, MONDO:0011484, OMIM 604772.
Cardiovascular phenotype. Identifiers: MedGen CN230736.

Allele frequency attached by ClinVar (database versions not stated): TOPMed below 0.00001.
gnomAD v4.1: 14 of 1,614,080 alleles (0.00087%); highest among the groups gnomAD compares: African/African-American, 0.0013%; no homozygotes.

Submissions (2):

Ambry Genetics
Classification: Uncertain significance for Cardiovascular phenotype. Last evaluated: 2025-07-29. Review status: criteria provided, single submitter. Criteria: Ambry Variant Classification Scheme 2023. Collection method: clinical testing. Allele origin: germline.
Comment: The p.Y49C variant (also known as c.146A>G), located in coding exon 1 of the CASQ2 gene, results from an A to G substitution at nucleotide position 146. The tyrosine at codon 49 is replaced by cysteine, an amino acid with highly dissimilar properties. This amino acid position is conserved. In addition, the in silico prediction for this alteration is inconclusive. Based on the available evidence, the clinical significance of this variant remains unclear.

Labcorp Genetics (formerly Invitae), Labcorp
Classification: Uncertain significance for Catecholaminergic polymorphic ventricular tachycardia 1. Last evaluated: 2022-01-24. Review status: criteria provided, single submitter. Criteria: Invitae Variant Classification Sherloc (09022015). Collection method: clinical testing. Allele origin: germline.
Comment: This sequence change replaces tyrosine, which is neutral and polar, with cysteine, which is neutral and slightly polar, at codon 49 of the CASQ2 protein (p.Tyr49Cys). This variant is not present in population databases (gnomAD no frequency). This variant has not been reported in the literature in individuals affected with CASQ2-related conditions. Algorithms developed to predict the effect of missense changes on protein structure and function are either unavailable or do not agree on the potential impact of this missense change (SIFT: "Tolerated"; PolyPhen-2: "Probably Damaging"; Align-GVGD: "Class C0"). Algorithms developed to predict the effect of sequence changes on RNA splicing suggest that this variant may create or strengthen a splice site. In summary, the available evidence is currently insufficient to determine the role of this variant in disease. Therefore, it has been classified as a Variant of Uncertain Significance.

NM_001232.4(CASQ2):c.146A>G (p.Tyr49Cys)

Gene: CASQ2 (calsequestrin 2; minus strand). Cytogenetic location: 1p13.1.
Variant type: single nucleotide variant.
Coding change: c.146A>G on transcript NM_001232.4 (MANE Select); coding-DNA position 146, A replaced by G.
Protein change: p.Tyr49Cys; replaces tyrosine 49 with cysteine.
Molecular consequence: missense variant.
Genome position (GRCh38, 1-based): chr1:115,768,396, T>C on the plus strand (A>G on the coding strand, the complement: CASQ2 is on the minus strand). VCF-style: chr1-115768396-T-C. GRCh37 (hg19) VCF-style: chr1-116311017-T-C.
Other names: short protein forms Y49C.
Identifiers: ClinVar variation 1944350 (VCV001944350.3), dbSNP rs1649202700, ClinGen allele CA341767157.